The following is an entry in ClinVar:

ClinVar aggregate classification (germline): Uncertain significance (1 of 4 stars; one submission).

Conditions:
Cardiovascular phenotype. Identifiers: MedGen CN230736.

Allele frequency attached by ClinVar (database versions not stated): TOPMed below 0.00001; gnomAD 0.00001.
gnomAD v4.1: 1 of 1,614,060 alleles (0.000062%); highest among the groups gnomAD compares: Non-Finnish European, 0.000085%; no homozygotes.

Submission:

Ambry Genetics
Classification: Uncertain significance for Cardiovascular phenotype. Last evaluated: 2022-12-14. Review status: criteria provided, single submitter. Criteria: Ambry Variant Classification Scheme 2023. Collection method: clinical testing. Allele origin: germline.
Comment: The p.L406H variant (also known as c.1217T>A), located in coding exon 10 of the APOB gene, results from a T to A substitution at nucleotide position 1217. The leucine at codon 406 is replaced by histidine, an amino acid with similar properties. This amino acid position is conserved. In addition, the in silico prediction for this alteration is inconclusive. Since supporting evidence is limited at this time, the clinical significance of this alteration remains unclear.

NM_000384.3(APOB):c.1217T>A (p.Leu406His)

Gene: APOB (apolipoprotein B; minus strand). Cytogenetic location: 2p24.1.
Variant type: single nucleotide variant.
Coding change: c.1217T>A on transcript NM_000384.3 (MANE Select); coding-DNA position 1217, T replaced by A.
Protein change: p.Leu406His; replaces leucine 406 with histidine.
Molecular consequence: missense variant.
Genome position (GRCh38, 1-based): chr2:21,032,489, A>T on the plus strand (T>A on the coding strand, the complement: APOB is on the minus strand). VCF-style: chr2-21032489-A-T. GRCh37 (hg19) VCF-style: chr2-21255361-A-T.
Other names: short protein forms L406H.
Identifiers: ClinVar variation 2451299 (VCV002451299.2), dbSNP rs1475982887, ClinGen allele CA345958124.
Genomic context (GRCh38, chr2:21,032,489, plus strand): 5'-AGCTGCTGTGCTGAGGGCTCGGGGATCAGGGCCACCAGGTAGGTGACCACATCTATCAGA[A>T]GGGGGTTGGCATGCACACGTTTCAGCCACTGGAGGATGTGAGTGGAGCACTGAGGCTGTC-3'
Protein context (NP_000375.3, residues 396-416): QWLKRVHANP[Leu406His]LIDVVTYLVA